The following is an entry in ClinVar:

NM_000548.5(TSC2):c.4518T>G (p.His1506Gln)

Gene: TSC2 (TSC complex subunit 2; plus strand). Cytogenetic location: 16p13.3.
Variant type: single nucleotide variant.
Coding change: c.4518T>G on transcript NM_000548.5 (MANE Select); coding-DNA position 4518, T replaced by G.
Protein change: p.His1506Gln; replaces histidine 1506 with glutamine.
Molecular consequence: missense variant. On other transcripts: non-coding transcript variant (5).
Genome position (GRCh38, 1-based): chr16:2,084,975, T>G. VCF-style: chr16-2084975-T-G. GRCh37 (hg19) VCF-style: chr16-2134976-T-G.
Other names: c.4317T>G, p.His1439Gln (NM_001077183.3); c.4449T>G, p.His1483Gln (NM_001114382.3); c.4209T>G, p.His1403Gln (NM_001318827.2); c.4173T>G, p.His1391Gln (NM_001318829.2); c.3786T>G, p.His1262Gln (NM_001318831.2); c.4350T>G, p.His1450Gln (NM_001318832.2); c.4320T>G, p.His1440Gln (NM_001363528.2); c.4386T>G, p.His1462Gln (NM_001370404.1); and 26 more; short protein forms H1015Q, H1282Q, H1403Q, H1420Q, H1435Q, H1436Q, H1470Q, H1506Q.
Identifiers: ClinVar variation 2564701 (VCV002564701.2), dbSNP rs2544304981, ClinGen allele CA394302774.

ClinVar aggregate classification (germline): Uncertain significance (1 of 4 stars; one submission).

Conditions:
Hereditary cancer-predisposing syndrome. Also called: Neoplastic Syndromes, Hereditary; Hereditary Cancer Syndrome; Hereditary neoplastic syndrome; Tumor predisposition. Identifiers: Orphanet 140162, MedGen C0027672, MeSH D009386, MONDO:0015356.

Submission:

Ambry Genetics
Classification: Uncertain significance for Hereditary cancer-predisposing syndrome. Last evaluated: 2023-04-18. Review status: criteria provided, single submitter. Criteria: Ambry Variant Classification Scheme 2023. Collection method: clinical testing. Allele origin: germline.
Comment: The p.H1506Q variant (also known as c.4518T>G), located in coding exon 34 of the TSC2 gene, results from a T to G substitution at nucleotide position 4518. The histidine at codon 1506 is replaced by glutamine, an amino acid with highly similar properties. This amino acid position is conserved. In addition, this alteration is predicted to be deleterious by in silico analysis. Since supporting evidence is limited at this time, the clinical significance of this alteration remains unclear.